The following is an entry in ClinVar:

ClinVar aggregate classification (germline): Likely benign (1 of 4 stars; one submission).

Submission:

CeGaT Center for Human Genetics Tuebingen
Classification: Likely benign. Last evaluated: 2022-11-01. Review status: criteria provided, single submitter. Criteria: CeGaT Center For Human Genetics Tuebingen Variant Classification Criteria Version 2. Collection method: clinical testing. Allele origin: germline. Affected: yes. Observed: 1 variant allele.
Comment: CXXC4: BP4, BP7

NM_025212.4(CXXC4):c.384C>G (p.Gly128=)

Genes: CXXC4 (CXXC finger protein 4; minus strand), CXXC4-AS1 (CXXC4 antisense RNA 1; plus strand). Cytogenetic location: 4q24.
Variant type: single nucleotide variant.
Coding change: c.384C>G on transcript NM_025212.4 (MANE Select); coding-DNA position 384, C replaced by G.
Protein change: p.Gly128=; no amino-acid change (glycine 128 retained).
Molecular consequence: synonymous variant.
Genome position (GRCh38, 1-based): chr4:104,491,419, G>C on the plus strand (C>G on the coding strand, the complement: CXXC4 is on the minus strand). VCF-style: chr4-104491419-G-C. GRCh37 (hg19) VCF-style: chr4-105412576-G-C.
Identifiers: ClinVar variation 2654992 (VCV002654992.24), dbSNP rs1013299161, ClinGen allele CA103293260.